The following is an entry in ClinVar:

ClinVar aggregate classification (germline): Pathogenic. Review status: criteria provided, multiple submitters, no conflicts (2 of 4 stars). 2 submissions from 2 submitters: Pathogenic (2). Last evaluated 2024-01-24.

Conditions:
Cardiovascular phenotype. Identifiers: MedGen CN230736.
Hereditary cancer-predisposing syndrome. Also called: Neoplastic Syndromes, Hereditary; Tumor predisposition; Hereditary neoplastic syndrome; Hereditary Cancer Syndrome. Identifiers: Orphanet 140162, MedGen C0027672, MeSH D009386, MONDO:0015356.
Neurofibromatosis, type 1 (NF1). Also called: VON RECKLINGHAUSEN DISEASE; NEUROFIBROMATOSIS, TYPE I, SOMATIC; Peripheral type neurofibromatosis; Neurofibromatosis, type I. Identifiers: Orphanet 636, MedGen C0027831, MONDO:0018975, OMIM 162200. Disease mechanism: loss of function.

Submissions (2):

Labcorp Genetics (formerly Invitae), Labcorp
Classification: Pathogenic for Neurofibromatosis, type 1. Last evaluated: 2024-01-24. Review status: criteria provided, single submitter. Criteria: Invitae Variant Classification Sherloc (09022015). Collection method: clinical testing. Allele origin: germline.
Comment: This sequence change creates a premature translational stop signal (p.Glu1908Glyfs*13) in the NF1 gene. It is expected to result in an absent or disrupted protein product. Loss-of-function variants in NF1 are known to be pathogenic (PMID: 10712197, 23913538). This variant is not present in population databases (gnomAD no frequency). This variant has not been reported in the literature in individuals affected with NF1-related conditions. ClinVar contains an entry for this variant (Variation ID: 527475). For these reasons, this variant has been classified as Pathogenic.

Ambry Genetics
Classification: Pathogenic for Cardiovascular phenotype; Hereditary cancer-predisposing syndrome. Last evaluated: 2024-01-17. Review status: criteria provided, single submitter. Criteria: Ambry Variant Classification Scheme 2023. Collection method: clinical testing. Allele origin: germline.
Comment: The c.5723delA pathogenic mutation, located in coding exon 38 of the NF1 gene, results from a deletion of one nucleotide at nucleotide position 5723, causing a translational frameshift with a predicted alternate stop codon (p.E1908Gfs*13). This variant is considered to be rare based on population cohorts in the Genome Aggregation Database (gnomAD). This alteration is expected to result in loss of function by premature protein truncation or nonsense-mediated mRNA decay. As such, this alteration is interpreted as a disease-causing mutation.

Literature cited by the submitters: PubMed 10712197 (cited by Labcorp Genetics (formerly Invitae), Labcorp); PubMed 23913538 (cited by Labcorp Genetics (formerly Invitae), Labcorp).

NM_001042492.3(NF1):c.5786del (p.Glu1929fs)

Gene: NF1 (neurofibromin 1; plus strand). Cytogenetic location: 17q11.2.
Variant type: Deletion.
Coding change: c.5786del on transcript NM_001042492.3 (MANE Select); coding-DNA position 5786, one base deleted (A; older notation c.5786delA).
Protein change: p.Glu1929fs; shifts the reading frame from glutamic acid 1929.
Molecular consequence: frameshift variant.
Genome position (GRCh38, 1-based): chr17:31,330,472, A deleted. VCF-style (leftmost placement, unchanged base first): chr17-31330471-GA-G. GRCh37 (hg19) VCF-style: chr17-29657489-GA-G.
Other names: c.5723delA, p.Glu1908Glyfs (NM_000267.4); c.5723delA (NM_000267.3); short protein forms E1908fs, E1929fs.
Identifiers: ClinVar variation 527475 (VCV000527475.6), dbSNP rs1555533883, ClinGen allele CA658798796.
Genomic context (GRCh38, chr17:31,330,471, plus strand): 5'-GTCTCTATTAGTAAGACACTGGCAGCCAATGAGCCACACCTCACGTTAGAATTTTTGGAA[GA>G]GTGTATTTCTGGATTTAGCAAATCTAGTAAGTAATGATAATTTTCTTTAATACTAACAAT-3'